The following is an entry in ClinVar:

ClinVar aggregate classification (germline): Uncertain significance (1 of 4 stars; one submission).

Conditions:
Maple syrup urine disease (MSUD). Identifiers: Orphanet 511, MedGen C0024776, MeSH D008375, MONDO:0009563. Disease mechanism: loss of function.

Submission:

Labcorp Genetics (formerly Invitae), Labcorp
Classification: Uncertain significance for Maple syrup urine disease. Last evaluated: 2025-08-10. Review status: criteria provided, single submitter. Criteria: Invitae Variant Classification Sherloc (09022015). Collection method: clinical testing. Allele origin: germline.
Comment: This sequence change falls in intron 1 of the BCKDHB gene. It does not directly change the encoded amino acid sequence of the BCKDHB protein. It affects a nucleotide within the consensus splice site. This variant is not present in population databases (gnomAD no frequency). This variant has not been reported in the literature in individuals affected with BCKDHB-related conditions. Variants that disrupt the consensus splice site are a relatively common cause of aberrant splicing (PMID: 17576681, 9536098). Algorithms developed to predict the effect of sequence changes on RNA splicing suggest that this variant may disrupt the consensus splice site. In summary, the available evidence is currently insufficient to determine the role of this variant in disease. Therefore, it has been classified as a Variant of Uncertain Significance.

Literature cited by the submitters: PubMed 17576681; PubMed 9536098.

NM_183050.4(BCKDHB):c.196+3G>T

Gene: BCKDHB (branched chain keto acid dehydrogenase E1 subunit beta; plus strand). Cytogenetic location: 6q14.1.
Variant type: single nucleotide variant.
Coding change: c.196+3G>T on transcript NM_183050.4 (MANE Select); 3 bases into the intron after coding-DNA position 196, G replaced by T.
Molecular consequence: intron variant.
Genome position (GRCh38, 1-based): chr6:80,106,892, G>T. VCF-style: chr6-80106892-G-T. GRCh37 (hg19) VCF-style: chr6-80816609-G-T.
Other names: c.-15+209G>T (NM_001318975.1); c.196+3G>T (NM_001424037.1, NM_001424036.1, NM_001424035.1 and 8 more transcripts); c.-15+49G>T (NM_001424043.1).
Identifiers: ClinVar variation 4725143 (VCV004725143.1).